The following is an entry in ClinVar:

ClinVar aggregate classification (germline): Uncertain significance (1 of 4 stars; one submission).

Conditions:
Hereditary nonpolyposis colorectal neoplasms. Identifiers: MedGen C0009405, MeSH D003123.

Submission:

Labcorp Genetics (formerly Invitae), Labcorp
Classification: Uncertain significance for Hereditary nonpolyposis colorectal neoplasms. Last evaluated: 2024-02-05. Review status: criteria provided, single submitter. Criteria: Invitae Variant Classification Sherloc (09022015). Collection method: clinical testing. Allele origin: germline.
Comment: This sequence change replaces arginine, which is basic and polar, with isoleucine, which is neutral and non-polar, at codon 581 of the MSH6 protein (p.Arg581Ile). This variant is not present in population databases (gnomAD no frequency). This variant has not been reported in the literature in individuals affected with MSH6-related conditions. Advanced modeling of protein sequence and biophysical properties (such as structural, functional, and spatial information, amino acid conservation, physicochemical variation, residue mobility, and thermodynamic stability) has been performed at Invitae for this missense variant, however the output from this modeling did not meet the statistical confidence thresholds required to predict the impact of this variant on MSH6 protein function. In summary, the available evidence is currently insufficient to determine the role of this variant in disease. Therefore, it has been classified as a Variant of Uncertain Significance.

NM_000179.3(MSH6):c.1742G>T (p.Arg581Ile)

Gene: MSH6 (mutS homolog 6; plus strand). Cytogenetic location: 2p16.3.
Variant type: single nucleotide variant.
Coding change: c.1742G>T on transcript NM_000179.3 (MANE Select); coding-DNA position 1742, G replaced by T.
Protein change: p.Arg581Ile; replaces arginine 581 with isoleucine.
Molecular consequence: missense variant. On other transcripts: non-coding transcript variant (4), intron variant (2).
Genome position (GRCh38, 1-based): chr2:47,799,725, G>T. VCF-style: chr2-47799725-G-T. GRCh37 (hg19) VCF-style: chr2-48026864-G-T.
Other names: c.1445G>T, p.Arg482Ile (NM_001406822.1, NM_001406825.1, NM_001406824.1 and 10 more transcripts); c.836G>T, p.Arg279Ile (NM_001406823.1, NM_001281493.2, NM_001406814.1 and 6 more transcripts); c.1352G>T, p.Arg451Ile (NM_001281492.2); c.1574G>T, p.Arg525Ile (NM_001406826.1); c.1606+136G>T (NM_001406817.1); c.628-941G>T (NM_001407362.1); c.1838G>T, p.Arg613Ile (NM_001406795.1, NM_001406802.1); c.1742G>T, p.Arg581Ile (NM_001406796.1, NM_001406798.1, NM_001406800.1 and 3 more transcripts); and 3 more; short protein forms R406I, R583I, R451I, R525I, R555I, R581I, R613I, R279I.
Identifiers: ClinVar variation 3633939 (VCV003633939.2).
Genomic context (GRCh38, chr2:47,799,725, plus strand): 5'-TTGATACTTCACTGGGAAAGTTTTTCATAGGTCAGTTTTCAGATGATCGCCATTGTTCGA[G>T]ATTTAGGACTCTAGTGGCACACTATCCCCCAGTACAAGTTTTATTTGAAAAAGGAAATCT-3'
Protein context (NP_000170.1, residues 571-591): GQFSDDRHCS[Arg581Ile]FRTLVAHYPP